The following is an entry in ClinVar:

ClinVar aggregate classification (germline): Likely benign. Review status: criteria provided, multiple submitters, no conflicts (2 of 4 stars). 2 submissions from 2 submitters: Likely benign (2). Last evaluated 2023-01-12.

Conditions:
Collagen 6-related myopathy. Identifiers: MedGen CN117976, MONDO:0100225.
Bethlem myopathy 1A. Also called: MYOPATHY, BENIGN CONGENITAL, WITH CONTRACTURES; Bethlem myopathy 1; Bethlem Muscular Dystrophy. Identifiers: Orphanet 610, MedGen CN029274, MONDO:0024530, OMIM 158810.

Allele frequency attached by ClinVar (database versions not stated): TOPMed 0.00002; gnomAD 0.00005; gnomAD exomes 0.00006 and 0.00019; ExAC 0.00010; 1000 Genomes Project 0.00020.
gnomAD v4.1: 95 of 1,605,054 alleles (0.0059%); highest among the groups gnomAD compares: Non-Finnish European, 0.0014%; 1 homozygote.

Submissions (2):

Labcorp Genetics (formerly Invitae), Labcorp
Classification: Likely benign for Bethlem myopathy 1A. Last evaluated: 2023-01-12. Review status: criteria provided, single submitter. Criteria: Invitae Variant Classification Sherloc (09022015). Collection method: clinical testing. Allele origin: germline.

Illumina Laboratory Services, Illumina
Classification: Likely benign for Collagen VI-related myopathy. Last evaluated: 2018-01-13. Review status: criteria provided, single submitter. Criteria: ICSL Variant Classification Criteria 13 December 2019. Collection method: clinical testing. Allele origin: germline.
Comment: This variant was observed in the ICSL laboratory as part of a predisposition screen in an ostensibly healthy population. It had not been previously curated by ICSL or reported in the Human Gene Mutation Database (HGMD: prior to June 1st, 2018), and was therefore a candidate for classification through an automated scoring system. Utilizing variant allele frequency, disease prevalence and penetrance estimates, and inheritance mode, an automated score was calculated to assess if this variant is too frequent to cause the disease. Based on the score and internal cut-off values, a variant classified as likely benign is not then subjected to further curation. The score for this variant resulted in a classification of likely benign for this disease.

NM_001848.3(COL6A1):c.985G>A (p.Gly329Arg)

Gene: COL6A1 (collagen type VI alpha 1 chain; plus strand). Cytogenetic location: 21q22.3.
Variant type: single nucleotide variant.
Coding change: c.985G>A on transcript NM_001848.3 (MANE Select); coding-DNA position 985, G replaced by A.
Protein change: p.Gly329Arg; replaces glycine 329 with arginine.
Molecular consequence: missense variant.
Genome position (GRCh38, 1-based): chr21:45,990,405, G>A. VCF-style: chr21-45990405-G-A. GRCh37 (hg19) VCF-style: chr21-47410319-G-A.
Other names: short protein forms G329R.
Identifiers: ClinVar variation 340312 (VCV000340312.13), dbSNP rs200835287, ClinGen allele CA10069950.